The following is an entry in ClinVar:

NM_001127392.3(MYRF):c.448C>T (p.Gln150Ter)

Gene: MYRF (myelin regulatory factor; plus strand). Cytogenetic location: 11q12.2.
Variant type: single nucleotide variant.
Coding change: c.448C>T on transcript NM_001127392.3 (MANE Select); coding-DNA position 448, C replaced by T.
Protein change: p.Gln150Ter; replaces glutamine 150 with a stop codon.
Molecular consequence: nonsense.
Genome position (GRCh38, 1-based): chr11:61,769,309, C>T. VCF-style: chr11-61769309-C-T. GRCh37 (hg19) VCF-style: chr11-61536781-C-T.
Other names: c.421C>T, p.Gln141Ter (NM_013279.4); short protein forms Q141*, Q150*.
Identifiers: ClinVar variation 3362404 (VCV003362404.2).

ClinVar aggregate classification (germline): Pathogenic/Likely pathogenic. Review status: criteria provided, multiple submitters, no conflicts (2 of 4 stars). 2 submissions from 2 submitters: Pathogenic (1); Likely pathogenic (1). Last evaluated 2025-11-23.

Conditions:
Cardiac-urogenital syndrome (CUGS). Also called: MYRF-Related Cardiac Urogenital Syndrome. Identifiers: Orphanet 647811, MedGen C4748946, MONDO:0032653, OMIM 618280.

Submissions (2):

3billion
Classification: Pathogenic for Cardiac-urogenital syndrome. Last evaluated: 2025-11-23. Review status: criteria provided, single submitter. Criteria: ACMG Guidelines, 2015. Collection method: clinical testing. Allele origin: germline. Affected: yes.
Comment: The variant is observed at an extremely low frequency in the gnomAD v4.1.0 dataset (total allele frequency: <0.001%). Predicted Consequence/Location: Stop-gained (nonsense): predicted to result in a loss or disruption of normal protein function through nonsense-mediated decay (NMD) or protein truncation. Multiple pathogenic variants are reported downstream of the variant. The variant has been reported to be associated with MYRF-related disorder (ClinVar ID: VCV003362404). Therefore, this variant is classified as Pathogenic according to the recommendation of ACMG/AMP guideline.

Genomic Medicine Center of Excellence, King Faisal Specialist Hospital and Research Centre
Classification: Likely pathogenic for Cardiac-urogenital syndrome. Last evaluated: 2024-09-22. Review status: criteria provided, single submitter. Criteria: ACMG Guidelines, 2015. Collection method: clinical testing. Allele origin: germline.